The following is an entry in ClinVar:

NM_031844.3(HNRNPU):c.2175del (p.Asn726fs)

Gene: HNRNPU (heterogeneous nuclear ribonucleoprotein U; minus strand). Cytogenetic location: 1q44.
Variant type: Deletion.
Coding change: c.2175del on transcript NM_031844.3 (MANE Select); coding-DNA position 2175, one base deleted (G; older notation c.2175delG).
Protein change: p.Asn726fs; shifts the reading frame from asparagine 726.
Molecular consequence: frameshift variant.
Genome position (GRCh38, 1-based): chr1:244,855,601, C deleted on the plus strand (G on the coding strand, the reverse complement: HNRNPU is on the minus strand); the first of 3 consecutive C bases (chr1:244,855,601-244,855,603); deleting any one gives the same sequence. VCF-style (leftmost placement, unchanged base first): chr1-244855600-TC-T. GRCh37 (hg19) VCF-style: chr1-245018902-TC-T.
Other names: c.2118del, p.Asn707fs (NM_004501.3); short protein forms N707fs, N726fs.
Identifiers: ClinVar variation 1491855 (VCV001491855.6), dbSNP rs2102985099, ClinGen allele CA2573132953.
Genomic context (GRCh38, chr1:244,855,600, plus strand): 5'-TTCCTCCACCGCCACCACCTCTCTGTGGCATGTTGCCCCTCCTATTATATCCGCCACGAT[TC>T]CCAGGGGCTAAAAGACAAGAGCTGTTTTAGTTTCATTGTATATTGTACCCTACTTATACA-3'

ClinVar aggregate classification (germline): Uncertain significance (1 of 4 stars; one submission).

Conditions:
Developmental and epileptic encephalopathy, 54. Also called: Epileptic encephalopathy, early infantile, 54; HNRNPU-Related Neurodevelopmental Disorder. Identifiers: MedGen C4479319, MONDO:0033363, OMIM 617391.

Submission:

Labcorp Genetics (formerly Invitae), Labcorp
Classification: Uncertain significance for Developmental and epileptic encephalopathy, 54. Last evaluated: 2021-05-17. Review status: criteria provided, single submitter. Criteria: Invitae Variant Classification Sherloc (09022015). Collection method: clinical testing. Allele origin: germline.
Comment: In summary, the available evidence is currently insufficient to determine the role of this variant in disease. Therefore, it has been classified as a Variant of Uncertain Significance. Experimental studies and prediction algorithms are not available or were not evaluated, and the functional significance of this variant is currently unknown. This variant has not been reported in the literature in individuals with HNRNPU-related conditions. This variant is not present in population databases (ExAC no frequency). This sequence change results in a frameshift in the HNRNPU gene (p.Asn726Ilefs*108). While this is not anticipated to result in nonsense mediated decay, it is expected to disrupt the last 100 amino acid(s) of the HNRNPU protein and extend the protein by 7 additional amino acid residues.